The following is an entry in ClinVar:

NM_020533.3(MCOLN1):c.984+6G>C

Gene: MCOLN1 (mucolipin TRP cation channel 1; plus strand). Cytogenetic location: 19p13.2.
Variant type: single nucleotide variant.
Coding change: c.984+6G>C on transcript NM_020533.3 (MANE Select); 6 bases into the intron after coding-DNA position 984, G replaced by C.
Molecular consequence: intron variant.
Genome position (GRCh38, 1-based): chr19:7,528,709, G>C. VCF-style: chr19-7528709-G-C. GRCh37 (hg19) VCF-style: chr19-7593595-G-C.
Identifiers: ClinVar variation 2075274 (VCV002075274.3), dbSNP rs753187369, ClinGen allele CA9138973.

ClinVar aggregate classification (germline): Uncertain significance. Review status: criteria provided, multiple submitters, no conflicts (2 of 4 stars). 3 submissions from 3 submitters: Uncertain significance (3). Last evaluated 2026-06-26.

Conditions:
Mucolipidosis type IV (ML4). Also called: ML IV. Identifiers: Orphanet 578, MedGen C0238286, MONDO:0009653, OMIM 252650.

Allele frequency attached by ClinVar (database versions not stated): gnomAD 0.00001; gnomAD exomes 0.00001; TOPMed 0.00003; ExAC 0.00003.
gnomAD v4.1: 27 of 1,614,066 alleles (0.0017%); highest among the groups gnomAD compares: Middle Eastern, 0.049%; no homozygotes.

Submissions (3):

Women's Health and Genetics/Laboratory Corporation of America, LabCorp
Classification: Uncertain significance. Last evaluated: 2026-06-26. Review status: criteria provided, single submitter. Criteria: LabCorp Variant Classification Summary - May 2015. Collection method: clinical testing. Allele origin: germline.

Labcorp Genetics (formerly Invitae), Labcorp
Classification: Uncertain significance for Mucolipidosis type IV. Last evaluated: 2022-07-02. Review status: criteria provided, single submitter. Criteria: Invitae Variant Classification Sherloc (09022015). Collection method: clinical testing. Allele origin: germline.
Comment: This sequence change falls in intron 8 of the MCOLN1 gene. It does not directly change the encoded amino acid sequence of the MCOLN1 protein. It affects a nucleotide within the consensus splice site. This variant is present in population databases (rs753187369, gnomAD 0.03%). This variant has not been reported in the literature in individuals affected with MCOLN1-related conditions. Variants that disrupt the consensus splice site are a relatively common cause of aberrant splicing (PMID: 17576681, 9536098). Algorithms developed to predict the effect of sequence changes on RNA splicing suggest that this variant is not likely to affect RNA splicing. In summary, the available evidence is currently insufficient to determine the role of this variant in disease. Therefore, it has been classified as a Variant of Uncertain Significance.

Breakthrough Genomics
Classification: Uncertain significance. Review status: criteria provided, single submitter. Criteria: ACMG Guidelines, 2015. Collection method: not provided. Allele origin: germline. Inheritance: Autosomal recessive inheritance. Affected: yes.

Literature cited by the submitters: PubMed 17576681 (cited by Labcorp Genetics (formerly Invitae), Labcorp); PubMed 9536098 (cited by Labcorp Genetics (formerly Invitae), Labcorp).